The following is an entry in ClinVar:

ClinVar aggregate classification (germline): Likely benign (0 of 4 stars; one submission).

Conditions:
SIM1-related disorder. Also called: SIM1-related condition; SIM1-related disorders.

Allele frequency attached by ClinVar (database versions not stated): TOPMed 0.00006; ExAC 0.00018; gnomAD exomes 0.00002; gnomAD 0.00004; 1000 Genomes Project 30x 0.00031; 1000 Genomes Project 0.00040.

Submission:

PreventionGenetics, part of Exact Sciences
Classification: Likely benign for SIM1-related condition. Last evaluated: 2023-12-01. Review status: no assertion criteria provided. Collection method: clinical testing. Allele origin: germline.
Comment: This variant is classified as likely benign based on ACMG/AMP sequence variant interpretation guidelines (Richards et al. 2015 PMID: 25741868, with internal and published modifications).

NM_005068.3(SIM1):c.398A>G (p.His133Arg)

Gene: SIM1 (SIM bHLH transcription factor 1; minus strand). Cytogenetic location: 6q16.3.
Variant type: single nucleotide variant.
Coding change: c.398A>G on transcript NM_005068.3 (MANE Select); coding-DNA position 398, A replaced by G.
Protein change: p.His133Arg; replaces histidine 133 with arginine.
Molecular consequence: missense variant.
Genome position (GRCh38, 1-based): chr6:100,449,650, T>C on the plus strand (A>G on the coding strand, the complement: SIM1 is on the minus strand). VCF-style: chr6-100449650-T-C. GRCh37 (hg19) VCF-style: chr6-100897526-T-C.
Other names: c.398A>G, p.His133Arg (NM_001374769.1); short protein forms H133R.
Identifiers: ClinVar variation 3029403 (VCV003029403.2), dbSNP rs199636737, ClinGen allele CA3937326.